The following is an entry in ClinVar:

ClinVar aggregate classification (germline): Likely benign. Review status: criteria provided, multiple submitters, no conflicts (2 of 4 stars). 3 submissions from 3 submitters: Likely benign (3). Last evaluated 2025-06-23.

Conditions:
Hereditary cancer-predisposing syndrome. Also called: Neoplastic Syndromes, Hereditary; Hereditary Cancer Syndrome; Tumor predisposition; Hereditary neoplastic syndrome. Identifiers: Orphanet 140162, MedGen C0027672, MeSH D009386, MONDO:0015356.
Hereditary breast ovarian cancer syndrome. Also called: Hereditary breast and ovarian cancer syndrome (HBOC); Hereditary breast and ovarian cancer syndrome; Hereditary breast and/or ovarian cancer syndrome; Breast and ovarian cancer; Hereditary breast and ovarian cancer; BRCA1- and BRCA2-Associated Hereditary Breast and Ovarian Cancer. Identifiers: Orphanet 145, MedGen C0677776, MeSH D061325, MONDO:0003582. Disease mechanism: loss of function.

Submissions (3):

Ambry Genetics
Classification: Likely benign for Hereditary cancer-predisposing syndrome. Last evaluated: 2025-06-23. Review status: criteria provided, single submitter. Criteria: Ambry Variant Classification Scheme 2023. Collection method: clinical testing. Allele origin: germline.

Labcorp Genetics (formerly Invitae), Labcorp
Classification: Likely benign for Hereditary breast ovarian cancer syndrome. Last evaluated: 2024-05-08. Review status: criteria provided, single submitter. Criteria: Invitae Variant Classification Sherloc (09022015). Collection method: clinical testing. Allele origin: germline.

Women's Health and Genetics/Laboratory Corporation of America, LabCorp
Classification: Likely benign. Last evaluated: 2023-02-27. Review status: criteria provided, single submitter. Criteria: LabCorp Variant Classification Summary - May 2015. Collection method: clinical testing. Allele origin: germline.
Comment: Variant summary: BRCA2 c.8124T>C alters a non-conserved nucleotide resulting in a synonymous change. Another synonymous variant altering this nucleotide (c.8124T>G, p.Thr2708=) is internally classified as likely benign in ClinVar. 4/4 computational tools predict no significant impact on normal splicing. However, these predictions have yet to be confirmed by functional studies. The variant was absent in 251350 control chromosomes. The available data on variant occurrences in the general population are insufficient to allow any conclusion about variant significance. To our knowledge, no occurrence of c.8124T>C in individuals affected with Hereditary Breast And Ovarian Cancer Syndrome and no experimental evidence demonstrating its impact on protein function have been reported. No submitters have provided clinical-significance assessments for this variant to ClinVar after 2014. Based on the evidence outlined above, the variant was classified as likely benign.

NM_000059.4(BRCA2):c.8124T>C (p.Thr2708=)

Gene: BRCA2 (BRCA2 DNA repair associated; plus strand). Cytogenetic location: 13q13.1.
Variant type: single nucleotide variant.
Coding change: c.8124T>C on transcript NM_000059.4 (MANE Select); coding-DNA position 8124, T replaced by C.
Protein change: p.Thr2708=; no amino-acid change (threonine 2708 retained).
Molecular consequence: synonymous variant. On other transcripts: non-coding transcript variant (1).
Genome position (GRCh38, 1-based): chr13:32,363,326, T>C. VCF-style: chr13-32363326-T-C. GRCh37 (hg19) VCF-style: chr13-32937463-T-C.
Other names: c.8028T>C, p.Thr2676= (NM_001406719.1); c.8124T>C, p.Thr2708= (NM_001406720.1); c.3192T>C, p.Thr1064= (NM_001406721.1); c.1707T>C, p.Thr569= (NM_001406722.1).
Identifiers: ClinVar variation 2445680 (VCV002445680.4), dbSNP rs587780662, ClinGen allele CA483439646.
Genomic context (GRCh38, chr13:32,363,326, plus strand): 5'-CTGTGTTTCTGACATAATTTCATTGAGCGCAAATATATCTGAAACTTCTAGCAATAAAAC[T>C]AGTAGTGCAGATACCCAAAAAGTGGCCATTATTGAACTTACAGATGGGTGGTATGCTGTT-3'
Protein context (NP_000050.3, residues 2698-2718): ANISETSSNK[Thr2708=]SSADTQKVAI